The following is an entry in ClinVar:

ClinVar aggregate classification (germline): Uncertain significance (1 of 4 stars; one submission).

Allele frequency attached by ClinVar (database versions not stated): TOPMed below 0.00001; gnomAD 0.00001; gnomAD exomes 0.00001; ExAC 0.00002.

Submission:

Labcorp Genetics (formerly Invitae), Labcorp
Classification: Uncertain significance. Last evaluated: 2021-06-22. Review status: criteria provided, single submitter. Criteria: Invitae Variant Classification Sherloc (09022015). Collection method: clinical testing. Allele origin: germline.
Comment: This variant is present in population databases (rs754228175, ExAC 0.006%). In summary, the available evidence is currently insufficient to determine the role of this variant in disease. Therefore, it has been classified as a Variant of Uncertain Significance. Algorithms developed to predict the effect of missense changes on protein structure and function are either unavailable or do not agree on the potential impact of this missense change (SIFT: "Deleterious"; PolyPhen-2: "Probably Damaging"; Align-GVGD: "Class C0"). This variant has not been reported in the literature in individuals with HSPG2-related conditions. This sequence change replaces aspartic acid with asparagine at codon 399 of the HSPG2 protein (p.Asp399Asn). The aspartic acid residue is highly conserved and there is a small physicochemical difference between aspartic acid and asparagine.

NM_005529.7(HSPG2):c.1195G>A (p.Asp399Asn)

Gene: HSPG2 (heparan sulfate proteoglycan 2; minus strand). Cytogenetic location: 1p36.12.
Variant type: single nucleotide variant.
Coding change: c.1195G>A on transcript NM_005529.7 (MANE Select); coding-DNA position 1195, G replaced by A.
Protein change: p.Asp399Asn; replaces aspartic acid 399 with asparagine.
Molecular consequence: missense variant.
Genome position (GRCh38, 1-based): chr1:21,885,335, C>T on the plus strand (G>A on the coding strand, the complement: HSPG2 is on the minus strand). VCF-style: chr1-21885335-C-T. GRCh37 (hg19) VCF-style: chr1-22211828-C-T.
Other names: c.1195G>A, p.Asp399Asn (NM_001291860.2); short protein forms D399N.
Identifiers: ClinVar variation 1514172 (VCV001514172.8), dbSNP rs754228175, ClinGen allele CA673539.